The following is an entry in ClinVar:

NM_006904.7(PRKDC):c.2350G>A (p.Val784Ile)

Gene: PRKDC (protein kinase, DNA-activated, catalytic subunit; minus strand). Cytogenetic location: 8q11.21.
Variant type: single nucleotide variant.
Coding change: c.2350G>A on transcript NM_006904.7 (MANE Select); coding-DNA position 2350, G replaced by A.
Protein change: p.Val784Ile; replaces valine 784 with isoleucine.
Molecular consequence: missense variant.
Genome position (GRCh38, 1-based): chr8:47,927,263, C>T on the plus strand (G>A on the coding strand, the complement: PRKDC is on the minus strand). VCF-style: chr8-47927263-C-T. GRCh37 (hg19) VCF-style: chr8-48839823-C-T.
Other names: c.2350G>A, p.Val784Ile (NM_001081640.2); short protein forms V784I.
Identifiers: ClinVar variation 3310138 (VCV003310138.1).

ClinVar aggregate classification (germline): Uncertain significance (1 of 4 stars; one submission).

Submission:

Ambry Genetics
Classification: Uncertain significance. Last evaluated: 2024-05-04. Review status: criteria provided, single submitter. Criteria: Ambry Variant Classification Scheme 2023. Collection method: clinical testing. Allele origin: germline.
Comment: The p.V784I variant (also known as c.2350G>A), located in coding exon 21 of the PRKDC gene, results from a G to A substitution at nucleotide position 2350. The valine at codon 784 is replaced by isoleucine, an amino acid with highly similar properties. This amino acid position is conserved. In addition, this alteration is predicted to be tolerated by in silico analysis. Based on the available evidence, the clinical significance of this variant remains unclear.